The following is an entry in ClinVar:

ClinVar aggregate classification (germline): Pathogenic (1 of 4 stars; one submission).

Conditions:
Tuberous sclerosis 2 (TSC2). Identifiers: Orphanet 805, MedGen C1860707, MONDO:0013199, OMIM 613254.

Submission:

Labcorp Genetics (formerly Invitae), Labcorp
Classification: Pathogenic for Tuberous sclerosis 2. Last evaluated: 2019-03-19. Review status: criteria provided, single submitter. Criteria: Invitae Variant Classification Sherloc (09022015). Collection method: clinical testing. Allele origin: germline.
Comment: For these reasons, this variant has been classified as Pathogenic. Loss-of-function variants in TSC2 are known to be pathogenic (PMID: 10205261, 17304050). This variant has not been reported in the literature in individuals with TSC2-related conditions. This variant is not present in population databases (ExAC no frequency). This sequence change creates a premature translational stop signal (p.Gln446Alafs*36) in the TSC2 gene. It is expected to result in an absent or disrupted protein product.

Literature cited by the submitters: PubMed 10205261; PubMed 17304050.

NM_000548.5(TSC2):c.1334dup (p.Gln446fs)

Gene: TSC2 (TSC complex subunit 2; plus strand). Cytogenetic location: 16p13.3.
Variant type: Duplication.
Coding change: c.1334dup on transcript NM_000548.5 (MANE Select); coding-DNA position 1334, one base duplicated (T; older notation c.1334dupT).
Protein change: p.Gln446fs; shifts the reading frame from glutamine 446.
Molecular consequence: frameshift variant.
Genome position (GRCh38, 1-based): chr16:2,062,573, T duplicated. VCF-style (leftmost placement, unchanged base first): chr16-2062572-C-CT. GRCh37 (hg19) VCF-style: chr16-2112573-C-CT.
Other names: c.1334dup, p.Gln446fs (NM_001077183.3, NM_001114382.3, NM_001363528.2 and 3 more transcripts); c.1223dup, p.Gln409fs (NM_001318827.2); c.1187dup, p.Gln397fs (NM_001318829.2); c.734dup, p.Gln246fs (NM_001318831.2); c.1367dup, p.Gln457fs (NM_001318832.2); short protein forms Q246fs, Q446fs, Q409fs, Q457fs, Q397fs.
Identifiers: ClinVar variation 857753 (VCV000857753.7), dbSNP rs2086777094, ClinGen allele CA916081794.